The following is an entry in ClinVar:

ClinVar aggregate classification (germline): Likely pathogenic. Review status: criteria provided, multiple submitters, no conflicts (2 of 4 stars). 2 submissions from 2 submitters: Likely pathogenic (2). Last evaluated 2026-03-12.

Conditions:
Neurofibromatosis, type 1 (NF1). Also called: Peripheral type neurofibromatosis; Neurofibromatosis, type I; VON RECKLINGHAUSEN DISEASE; NEUROFIBROMATOSIS, TYPE I, SOMATIC. Identifiers: Orphanet 636, MedGen C0027831, MONDO:0018975, OMIM 162200. Disease mechanism: loss of function.

Submissions (2):

GeneDx
Classification: Likely pathogenic. Last evaluated: 2026-03-12. Review status: criteria provided, single submitter. Criteria: GeneDx Variant Classification Process June 2021. Collection method: clinical testing. Allele origin: germline.
Comment: Not observed at significant frequency in large population cohorts (gnomAD); In silico analysis supports that this missense variant has a deleterious effect on protein structure/function; This variant is associated with the following publications: (PMID: 29618358, 30843352, 34694046, 40759488, 25486365, 2121369, 37751797, 33673681, 33919865)

Medical Genetics, University of Parma
Classification: Likely pathogenic for Neurofibromatosis, type 1. Last evaluated: 2022-08-17. Review status: criteria provided, single submitter. Criteria: ACMG Guidelines, 2015. Collection method: clinical testing. Allele origin: germline. Inheritance: Autosomal dominant inheritance. Affected: yes.

NM_001042492.3(NF1):c.3112A>G (p.Arg1038Gly)

Gene: NF1 (neurofibromin 1; plus strand). Cytogenetic location: 17q11.2.
Variant type: single nucleotide variant.
Coding change: c.3112A>G on transcript NM_001042492.3 (MANE Select); coding-DNA position 3112, A replaced by G.
Protein change: p.Arg1038Gly; replaces arginine 1038 with glycine.
Molecular consequence: missense variant.
Genome position (GRCh38, 1-based): chr17:31,230,381, A>G. VCF-style: chr17-31230381-A-G. GRCh37 (hg19) VCF-style: chr17-29557399-A-G.
Other names: c.3112A>G, p.Arg1038Gly (NM_000267.4); short protein forms R1038G.
Identifiers: ClinVar variation 1702853 (VCV001702853.2), dbSNP rs1597717017, ClinGen allele CA398987753.
Genomic context (GRCh38, chr17:31,230,381, plus strand): 5'-TTAGTTGAAGTAATGATGGCAAGGAGAGATGACCTCTCATTTTGCCAAGAGATGAAATTT[A>G]GGTGAGTTCTCAAAAGAGCAATGTAGGGTCTTGTAAATCTTAATATGTCCAATGAAGTAC-3'
Protein context (NP_001035957.1, residues 1028-1048): DLSFCQEMKF[Arg1038Gly]NKMVEYLTDW